The following is an entry in ClinVar:

ClinVar aggregate classification (germline): Uncertain significance (1 of 4 stars; one submission).

Conditions:
Mosaic variegated aneuploidy syndrome 1 (MVA1). Also called: Warburton-Anyane-Yeboa syndrome. Identifiers: Orphanet 1052, MedGen C1850343, MONDO:0009759, OMIM 257300.

Submission:

Labcorp Genetics (formerly Invitae), Labcorp
Classification: Uncertain significance for Mosaic variegated aneuploidy syndrome 1. Last evaluated: 2023-07-07. Review status: criteria provided, single submitter. Criteria: Invitae Variant Classification Sherloc (09022015). Collection method: clinical testing. Allele origin: germline.
Comment: Experimental studies and prediction algorithms are not available or were not evaluated, and the functional significance of this variant is currently unknown. This variant has not been reported in the literature in individuals affected with BUB1B-related conditions. This variant is present in population databases (rs759433961, gnomAD 0.006%). This variant, c.642_644del, results in the deletion of 1 amino acid(s) of the BUB1B protein (p.Glu215del), but otherwise preserves the integrity of the reading frame. In summary, the available evidence is currently insufficient to determine the role of this variant in disease. Therefore, it has been classified as a Variant of Uncertain Significance.

NM_001211.6(BUB1B):c.639GGA[1] (p.Glu215del)

Gene: BUB1B (BUB1 mitotic checkpoint serine/threonine kinase B; plus strand). Cytogenetic location: 15q15.1.
Variant type: Microsatellite.
Coding change: c.639GGA[1] on transcript NM_001211.6 (MANE Select); one copy of the 3-base unit GGA starting at c.639; the reference has two copies in a row; one copy, 3 bases deleted.
Protein change: p.Glu215del; deletes glutamic acid 215.
Molecular consequence: inframe deletion.
Genome position (GRCh38, 1-based): chr15:40,183,774-40,183,776, GGA deleted; deleting any 3 consecutive bases within chr15:40,183,769-40,183,776 gives the same sequence; the position shown is the placement nearest the transcript's 3' end. VCF-style (leftmost placement, unchanged base first): chr15-40183768-AGAG-A. GRCh37 (hg19) VCF-style: chr15-40475969-AGAG-A.
Other names: short protein forms E215del.
Identifiers: ClinVar variation 2056520 (VCV002056520.4), dbSNP rs759433961, ClinGen allele CA7475527.